The following is an entry in ClinVar:

NM_004168.4(SDHA):c.24G>A (p.Ser8=)

Gene: SDHA (succinate dehydrogenase complex flavoprotein subunit A; plus strand). Cytogenetic location: 5p15.33.
Variant type: single nucleotide variant.
Coding change: c.24G>A on transcript NM_004168.4 (MANE Select); coding-DNA position 24, G replaced by A.
Protein change: p.Ser8=; no amino-acid change (serine 8 retained).
Molecular consequence: synonymous variant.
Genome position (GRCh38, 1-based): chr5:218,379, G>A. VCF-style: chr5-218379-G-A. GRCh37 (hg19) VCF-style: chr5-218494-G-A.
Other names: c.24G>A, p.Ser8= (NM_001294332.2, NM_001330758.2).
Identifiers: ClinVar variation 1792225 (VCV001792225.3), dbSNP rs1060505007, ClinGen allele CA442689540.
Genomic context (GRCh38, chr5:218,379, plus strand): 5'-CAGGGACTGGCGGGACTGCGCGGCGGCAACAGCAGACATGTCGGGGGTCCGGGGCCTGTC[G>A]CGGCTGCTGAGCGCTCGGCGCCTGGCGCTGGCCAAGGCGGTGAGTCCGTGCCGCGGACCG-3'
Protein context (NP_004159.2, residues 1-18): MSGVRGL[Ser8=]RLLSARRLAL

ClinVar aggregate classification (germline): Benign/Likely benign. Review status: criteria provided, multiple submitters, no conflicts (2 of 4 stars). 2 submissions from 2 submitters: Benign (1); Likely benign (1). Last evaluated 2025-02-28.

Conditions:
Pheochromocytoma/paraganglioma syndrome 5. Also called: Paragangliomas 5; SDHA-Related Hereditary Paraganglioma-Pheochromocytoma Syndrome. Identifiers: Orphanet 29072, MedGen C3279992, MONDO:0013602, OMIM 614165.
Hereditary cancer-predisposing syndrome. Also called: Tumor predisposition; Hereditary Cancer Syndrome; Hereditary neoplastic syndrome; Neoplastic Syndromes, Hereditary. Identifiers: Orphanet 140162, MedGen C0027672, MeSH D009386, MONDO:0015356.

Submissions (2):

Myriad Genetics, Inc.
Classification: Benign for Pheochromocytoma/paraganglioma syndrome 5. Last evaluated: 2025-02-28. Review status: criteria provided, single submitter. Criteria: Myriad Autosomal Dominant, Autosomal Recessive and X-Linked Classification Criteria (2023). Collection method: clinical testing. Allele origin: unknown.
Comment: This variant is considered benign. This variant is a silent/synonymous amino acid change and it is not expected to impact splicing.

Ambry Genetics
Classification: Likely benign for Hereditary cancer-predisposing syndrome. Last evaluated: 2021-03-02. Review status: criteria provided, single submitter. Criteria: Ambry Variant Classification Scheme 2023. Collection method: clinical testing. Allele origin: germline.